The following is an entry in ClinVar:

ClinVar aggregate classification (germline): Uncertain significance (1 of 4 stars; one submission).

Conditions:
Atrioventricular septal defect 5 (AVSD5). Identifiers: MedGen C3280939, MONDO:0013769, OMIM 614474.

gnomAD v4.1: 1 of 1,504,686 alleles (0.000066%); highest among the groups gnomAD compares: Non-Finnish European, 0.000088%; no homozygotes.

Submission:

Labcorp Genetics (formerly Invitae), Labcorp
Classification: Uncertain significance for Atrioventricular septal defect 5. Last evaluated: 2025-07-02. Review status: criteria provided, single submitter. Criteria: Invitae Variant Classification Sherloc (09022015). Collection method: clinical testing. Allele origin: germline.
Comment: This sequence change replaces threonine, which is neutral and polar, with arginine, which is basic and polar, at codon 322 of the GATA6 protein (p.Thr322Arg). This variant is not present in population databases (gnomAD no frequency). This variant has not been reported in the literature in individuals affected with GATA6-related conditions. Invitae Evidence Modeling of protein sequence and biophysical properties (such as structural, functional, and spatial information, amino acid conservation, physicochemical variation, residue mobility, and thermodynamic stability) indicates that this missense variant is not expected to disrupt GATA6 protein function with a negative predictive value of 80%. In summary, the available evidence is currently insufficient to determine the role of this variant in disease. Therefore, it has been classified as a Variant of Uncertain Significance.

NM_005257.6(GATA6):c.965C>G (p.Thr322Arg)

Gene: GATA6 (GATA binding protein 6; plus strand). Cytogenetic location: 18q11.2.
Variant type: single nucleotide variant.
Coding change: c.965C>G on transcript NM_005257.6 (MANE Select); coding-DNA position 965, C replaced by G.
Protein change: p.Thr322Arg; replaces threonine 322 with arginine.
Molecular consequence: missense variant.
Genome position (GRCh38, 1-based): chr18:22,172,109, C>G. VCF-style: chr18-22172109-C-G. GRCh37 (hg19) VCF-style: chr18-19752070-C-G.
Other names: short protein forms T322R.
Identifiers: ClinVar variation 4741886 (VCV004741886.1).